The following is an entry in ClinVar:

NM_018847.4(KLHL9):c.1091C>T (p.Thr364Ile)

Gene: KLHL9 (kelch like family member 9; minus strand). Cytogenetic location: 9p21.3.
Variant type: single nucleotide variant.
Coding change: c.1091C>T on transcript NM_018847.4 (MANE Select); coding-DNA position 1091, C replaced by T.
Protein change: p.Thr364Ile; replaces threonine 364 with isoleucine.
Molecular consequence: missense variant.
Genome position (GRCh38, 1-based): chr9:21,333,769, G>A on the plus strand (C>T on the coding strand, the complement: KLHL9 is on the minus strand). VCF-style: chr9-21333769-G-A. GRCh37 (hg19) VCF-style: chr9-21333768-G-A.
Other names: short protein forms T364I.
Identifiers: ClinVar variation 1389545 (VCV001389545.6), dbSNP rs2133031176, ClinGen allele CA373070092.

ClinVar aggregate classification (germline): Uncertain significance (1 of 4 stars; one submission).

Submission:

Labcorp Genetics (formerly Invitae), Labcorp
Classification: Uncertain significance. Last evaluated: 2022-07-11. Review status: criteria provided, single submitter. Criteria: Invitae Variant Classification Sherloc (09022015). Collection method: clinical testing. Allele origin: germline.
Comment: In summary, the available evidence is currently insufficient to determine the role of this variant in disease. Therefore, it has been classified as a Variant of Uncertain Significance. Algorithms developed to predict the effect of missense changes on protein structure and function are either unavailable or do not agree on the potential impact of this missense change (SIFT: "Not Available"; PolyPhen-2: "Probably Damaging"; Align-GVGD: "Not Available"). ClinVar contains an entry for this variant (Variation ID: 1389545). This variant has not been reported in the literature in individuals affected with KLHL9-related conditions. This variant is not present in population databases (gnomAD no frequency). This sequence change replaces threonine, which is neutral and polar, with isoleucine, which is neutral and non-polar, at codon 364 of the KLHL9 protein (p.Thr364Ile).